The following is an entry in ClinVar:

NM_013275.6(ANKRD11):c.5986C>T (p.Pro1996Ser)

Gene: ANKRD11 (ankyrin repeat domain 11; minus strand). Cytogenetic location: 16q24.3.
Variant type: single nucleotide variant.
Coding change: c.5986C>T on transcript NM_013275.6 (MANE Select); coding-DNA position 5986, C replaced by T.
Protein change: p.Pro1996Ser; replaces proline 1996 with serine.
Molecular consequence: missense variant.
Genome position (GRCh38, 1-based): chr16:89,280,556, G>A on the plus strand (C>T on the coding strand, the complement: ANKRD11 is on the minus strand). VCF-style: chr16-89280556-G-A. GRCh37 (hg19) VCF-style: chr16-89346964-G-A.
Other names: c.5986C>T, p.Pro1996Ser (NM_001256182.2, NM_001256183.2); short protein forms P1996S.
Identifiers: ClinVar variation 4748790 (VCV004748790.1).
Genomic context (GRCh38, chr16:89,280,556, plus strand): 5'-GGTACGGCGCCTCCGAGGCGCTGAAGGGCCCTGGGGCGGCAGAGTGGAGGGGGTCCGCGG[G>A]GCAGAAACGCTTTGGGGACTCGGGGAATCTCTGTGGAGACTTCAGCAGGAGGTCCGAGCC-3'
Protein context (NP_037407.4, residues 1986-2006): RFPESPKRFC[Pro1996Ser]ADPLHSAAPG

ClinVar aggregate classification (germline): Uncertain significance (1 of 4 stars; one submission).

Conditions:
KBG syndrome (KBGS). Also called: ANKRD11-Related KBG Syndrome. Identifiers: Orphanet 2332, MedGen C0220687, MONDO:0007846, OMIM 148050.

gnomAD v4.1: 8 of 1,613,024 alleles (0.0005%); highest among the groups gnomAD compares: African/African-American, 0.0053%; no homozygotes.

Submission:

Labcorp Genetics (formerly Invitae), Labcorp
Classification: Uncertain significance for KBG syndrome. Last evaluated: 2025-09-24. Review status: criteria provided, single submitter. Criteria: Invitae Variant Classification Sherloc (09022015). Collection method: clinical testing. Allele origin: germline.
Comment: This sequence change replaces proline, which is neutral and non-polar, with serine, which is neutral and polar, at codon 1996 of the ANKRD11 protein (p.Pro1996Ser). This variant is present in population databases (rs776509679, gnomAD 0.007%). This variant has not been reported in the literature in individuals affected with ANKRD11-related conditions. Invitae Evidence Modeling of protein sequence and biophysical properties (such as structural, functional, and spatial information, amino acid conservation, physicochemical variation, residue mobility, and thermodynamic stability) indicates that this missense variant is not expected to disrupt ANKRD11 protein function with a negative predictive value of 95%. In summary, the available evidence is currently insufficient to determine the role of this variant in disease. Therefore, it has been classified as a Variant of Uncertain Significance.